The following is an entry in ClinVar:

ClinVar aggregate classification (germline): Uncertain significance. Review status: criteria provided, multiple submitters, no conflicts (2 of 4 stars). 3 submissions from 3 submitters: Uncertain significance (3). Last evaluated 2024-01-01.

Conditions:
Glycosylphosphatidylinositol biosynthesis defect 15. Also called: DEVELOPMENTAL DELAY, EPILEPSY, CEREBELLAR ATROPHY, AND OSTEOPENIA. Identifiers: Orphanet 529665, MedGen C4540520, MONDO:0060627, OMIM 617810.
Inborn genetic diseases. Identifiers: MedGen C0950123, MeSH D030342.

gnomAD v4.1: 2 of 1,464,702 alleles (0.00014%); highest among the groups gnomAD compares: Middle Eastern, 0.048%; no homozygotes.

Submissions (3):

Daryl Scott Lab, Baylor College of Medicine
Classification: Uncertain significance for Glycosylphosphatidylinositol biosynthesis defect 15. Last evaluated: 2024-01-01. Review status: criteria provided, single submitter. Criteria: ACMG Guidelines, 2015. Collection method: clinical testing. Allele origin: biparental. Observed: 1 homozygote.
Comment: PM2, PP3

Ambry Genetics
Classification: Uncertain significance for Inborn genetic diseases. Last evaluated: 2022-09-06. Review status: criteria provided, single submitter. Criteria: Ambry Variant Classification Scheme 2023. Collection method: clinical testing. Allele origin: germline.

Baylor Genetics
Classification: Uncertain significance for Glycosylphosphatidylinositol biosynthesis defect 15. Last evaluated: 2020-06-03. Review status: criteria provided, single submitter. Criteria: ACMG Guidelines, 2015. Collection method: clinical testing. Allele origin: unknown. Affected: yes.
Comment: This variant was determined to be of uncertain significance according to ACMG Guidelines, 2015 [PMID:25741868].

NM_003801.4(GPAA1):c.29G>A (p.Arg10Gln)

Genes: GPAA1 (glycosylphosphatidylinositol anchor attachment 1; plus strand), LOC130001364 (ATAC-STARR-seq lymphoblastoid silent region 19654; plus strand). Cytogenetic location: 8q24.3.
Variant type: single nucleotide variant.
Coding change: c.29G>A on transcript NM_003801.4 (MANE Select); coding-DNA position 29, G replaced by A.
Protein change: p.Arg10Gln; replaces arginine 10 with glutamine.
Molecular consequence: missense variant.
Genome position (GRCh38, 1-based): chr8:144,082,759, G>A. VCF-style: chr8-144082759-G-A. GRCh37 (hg19) VCF-style: chr8-145137662-G-A.
Other names: short protein forms R10Q.
Identifiers: ClinVar variation 1028656 (VCV001028656.5), dbSNP rs1020852262, ClinGen allele CA187626836.
Genomic context (GRCh38, chr8:144,082,759, plus strand): 5'-GAGGGTCCGTAGCCGCGCCGCCCTGCCCCGCCATGGGCCTCCTGTCGGACCCGGTTCGCC[G>A]GCGCGCGCTCGCCCGCCTAGTGCTGCGCCTCAACGCGCCGTTGTGGTGAGGACAGGGCCC-3'
Protein context (NP_003792.1, residues 1-20): MGLLSDPVR[Arg10Gln]RALARLVLRL